The following is an entry in ClinVar:

NM_032575.3(GLIS2):c.641G>A (p.Arg214Gln)

Gene: GLIS2 (GLIS family zinc finger 2; plus strand). Cytogenetic location: 16p13.3.
Variant type: single nucleotide variant.
Coding change: c.641G>A on transcript NM_032575.3 (MANE Select); coding-DNA position 641, G replaced by A.
Protein change: p.Arg214Gln; replaces arginine 214 with glutamine.
Molecular consequence: missense variant.
Genome position (GRCh38, 1-based): chr16:4,335,178, G>A. VCF-style: chr16-4335178-G-A. GRCh37 (hg19) VCF-style: chr16-4385179-G-A.
Other names: c.641G>A, p.Arg214Gln (NM_001318918.2); short protein forms R214Q.
Identifiers: ClinVar variation 4734959 (VCV004734959.1).

ClinVar aggregate classification (germline): Uncertain significance (1 of 4 stars; one submission).

Conditions:
Nephronophthisis. Also called: Juvenile Nephronophthisis. Identifiers: Orphanet 655, MedGen C0687120, MONDO:0019005, HP:0000090.

gnomAD v4.1: 139 of 1,613,406 alleles (0.0086%); highest among the groups gnomAD compares: Non-Finnish European, 0.011%; no homozygotes.

Submission:

Labcorp Genetics (formerly Invitae), Labcorp
Classification: Uncertain significance for Nephronophthisis. Last evaluated: 2025-08-20. Review status: criteria provided, single submitter. Criteria: Invitae Variant Classification Sherloc (09022015). Collection method: clinical testing. Allele origin: germline.
Comment: This sequence change replaces arginine, which is basic and polar, with glutamine, which is neutral and polar, at codon 214 of the GLIS2 protein (p.Arg214Gln). This variant is present in population databases (rs377111318, gnomAD 0.006%). This variant has not been reported in the literature in individuals affected with GLIS2-related conditions. An algorithm developed to predict the effect of missense changes on protein structure and function (PolyPhen-2) suggests that this variant is likely to be disruptive. In summary, the available evidence is currently insufficient to determine the role of this variant in disease. Therefore, it has been classified as a Variant of Uncertain Significance.